The following is an entry in ClinVar:

ClinVar aggregate classification (germline): Pathogenic (1 of 4 stars; one submission).

Conditions:
Telangiectasia, hereditary hemorrhagic, type 2 (HHT2). Also called: Telangiectasia, hereditary hemorrhagic, type II; ACVRL1-Related Hereditary Hemorrhagic Telangiectasia. Identifiers: Orphanet 774, MedGen C1838163, MONDO:0010880, OMIM 600376. Disease mechanism: loss of function.

Submission:

Labcorp Genetics (formerly Invitae), Labcorp
Classification: Pathogenic for Telangiectasia, hereditary hemorrhagic, type 2. Last evaluated: 2025-02-04. Review status: criteria provided, single submitter. Criteria: Invitae Variant Classification Sherloc (09022015). Collection method: clinical testing. Allele origin: germline.
Comment: This sequence change creates a premature translational stop signal (p.Gln272Hisfs*29) in the ACVRL1 gene. It is expected to result in an absent or disrupted protein product. Loss-of-function variants in ACVRL1 are known to be pathogenic (PMID: 15879500). This variant is not present in population databases (gnomAD no frequency). This variant has not been reported in the literature in individuals affected with ACVRL1-related conditions. For these reasons, this variant has been classified as Pathogenic.

Literature cited by the submitters: PubMed 15879500.

NM_000020.3(ACVRL1):c.816del (p.Gln272fs)

Gene: ACVRL1 (activin A receptor like type 1; plus strand). Cytogenetic location: 12q13.13.
Variant type: Deletion.
Coding change: c.816del on transcript NM_000020.3 (MANE Select); coding-DNA position 816, one base deleted (G; older notation c.816delG).
Protein change: p.Gln272fs; shifts the reading frame from glutamine 272.
Molecular consequence: frameshift variant.
Genome position (GRCh38, 1-based): chr12:51,915,268, G deleted. VCF-style (leftmost placement, unchanged base first): chr12-51915267-AG-A. GRCh37 (hg19) VCF-style: chr12-52309051-AG-A.
Other names: c.816del, p.Gln272fs (NM_001077401.2, NM_001406487.1, NM_001406488.1 and 1 more transcripts); c.504del, p.Gln168fs (NM_001406490.1, NM_001406491.1, NM_001406492.1 and 2 more transcripts); c.252del, p.Gln84fs (NM_001406495.1); short protein forms Q168fs, Q272fs, Q84fs.
Identifiers: ClinVar variation 4712295 (VCV004712295.1).